The following is an entry in ClinVar:

ClinVar aggregate classification (germline): Pathogenic (1 of 4 stars; one submission).

gnomAD v4.1: 4 of 1,612,864 alleles (0.00025%); highest among the groups gnomAD compares: Non-Finnish European, 0.00034%; no homozygotes.

Submission:

Labcorp Genetics (formerly Invitae), Labcorp
Classification: Pathogenic. Last evaluated: 2025-07-27. Review status: criteria provided, single submitter. Criteria: Invitae Variant Classification Sherloc (09022015). Collection method: clinical testing. Allele origin: germline.
Comment: This sequence change creates a premature translational stop signal (p.Arg710*) in the TTC37 gene. It is expected to result in an absent or disrupted protein product. Loss-of-function variants in TTC37 are known to be pathogenic (PMID: 20176027, 21120949). This variant is not present in population databases (gnomAD no frequency). This premature translational stop signal has been observed in individual(s) with clinical features of trichohepatoenteric syndrome (PMID: 25688341). ClinVar contains an entry for this variant (Variation ID: 2734750). Algorithms developed to predict the effect of sequence changes on RNA splicing suggest that this variant may create or strengthen a splice site. For these reasons, this variant has been classified as Pathogenic.

Literature cited by the submitters: PubMed 20176027; PubMed 21120949; PubMed 25688341.

NM_014639.4(SKIC3):c.2128C>T (p.Arg710Ter)

Gene: SKIC3 (SKI3 subunit of superkiller complex; minus strand). Cytogenetic location: 5q15.
Variant type: single nucleotide variant.
Coding change: c.2128C>T on transcript NM_014639.4 (MANE Select); coding-DNA position 2128, C replaced by T.
Protein change: p.Arg710Ter; replaces arginine 710 with a stop codon.
Molecular consequence: nonsense.
Genome position (GRCh38, 1-based): chr5:95,517,309, G>A on the plus strand (C>T on the coding strand, the complement: SKIC3 is on the minus strand). VCF-style: chr5-95517309-G-A. GRCh37 (hg19) VCF-style: chr5-94853013-G-A.
Other names: short protein forms R710*.
Identifiers: ClinVar variation 2734750 (VCV002734750.3), dbSNP rs1747335600, ClinGen allele CA360460943.